The following is an entry in ClinVar:

NM_152443.3(RDH12):c.617C>A (p.Ala206Asp)

Genes: RDH12 (retinol dehydrogenase 12; plus strand), GPHN (gephyrin; plus strand). Cytogenetic location: 14q24.1.
Variant type: single nucleotide variant.
Coding change: c.617C>A on transcript NM_152443.3 (MANE Select); coding-DNA position 617, C replaced by A.
Protein change: p.Ala206Asp; replaces alanine 206 with aspartic acid.
Molecular consequence: missense variant.
Genome position (GRCh38, 1-based): chr14:67,727,149, C>A. VCF-style: chr14-67727149-C-A. GRCh37 (hg19) VCF-style: chr14-68193866-C-A.
Other names: short protein forms A206D.
Identifiers: ClinVar variation 2678309 (VCV002678309.5), dbSNP rs1254096311, ClinGen allele CA390151514.
Genomic context (GRCh38, chr14:67,727,149, plus strand): 5'-ACGACCTCCAGAGCGAGAAGCGCTACAGCAGGGGTTTTGCCTATTGCCACAGCAAGCTGG[C>A]CAATGTGCTTTTTACTCGTGAGCTGGCCAAGAGGCTCCAAGGTAAGTCTGGAGAAAGAGG-3'
Protein context (NP_689656.2, residues 196-216): RGFAYCHSKL[Ala206Asp]NVLFTRELAK

ClinVar aggregate classification (germline): Likely pathogenic. Review status: criteria provided, multiple submitters, no conflicts (2 of 4 stars). 3 submissions from 3 submitters: Likely pathogenic (3). Last evaluated 2024-07-03.

Conditions:
Leber congenital amaurosis (LCA). Also called: Leber's amaurosis. Identifiers: Orphanet 65, MedGen C0339527, MeSH D057130, MONDO:0018998.
Leber congenital amaurosis 13 (LCA13). Identifiers: MedGen C2675186, MONDO:0012990, OMIM 612712.

Submissions (3):

Women's Health and Genetics/Laboratory Corporation of America, LabCorp
Classification: Likely pathogenic for Leber congenital amaurosis. Last evaluated: 2024-07-03. Review status: criteria provided, single submitter. Criteria: LabCorp Variant Classification Summary - May 2015. Collection method: clinical testing. Allele origin: germline.
Comment: Variant summary: RDH12 c.617C>A (p.Ala206Asp) results in a non-conservative amino acid change in the encoded protein sequence. Five of five in-silico tools predict a damaging effect of the variant on protein function. The variant was absent in 251076 control chromosomes. c.617C>A has been reported in the literature in the presumed compound heterozygous state in at least 2 related individuals affected with autosomal recessive Leber Congenital Amaurosis (example, Jacobson_2007, Thompson_2005), include at least 1 individual carrying a pathogenic variant in trans. These data indicate that the variant may be associated with disease. At least one publication reports in vitro experimental evidence evaluating an impact on protein function. The most pronounced variant effect results in <10% of normal activity (example Thompson_2005). The following publications have been ascertained in the context of this evaluation (PMID: 17197551, 16269441). ClinVar contains an entry for this variant (Variation ID: 2678309). Based on the evidence outlined above, the variant was classified as likely pathogenic.

Labcorp Genetics (formerly Invitae), Labcorp
Classification: Likely pathogenic for Leber congenital amaurosis 13. Last evaluated: 2023-10-29. Review status: criteria provided, single submitter. Criteria: Invitae Variant Classification Sherloc (09022015). Collection method: clinical testing. Allele origin: germline.
Comment: This sequence change replaces alanine, which is neutral and non-polar, with aspartic acid, which is acidic and polar, at codon 206 of the RDH12 protein (p.Ala206Asp). This variant is not present in population databases (gnomAD no frequency). This missense change has been observed in individual(s) with autosomal recessive retinal dystrophy (PMID: 16269441). In at least one individual the data is consistent with being in trans (on the opposite chromosome) from a pathogenic variant. Advanced modeling of protein sequence and biophysical properties (such as structural, functional, and spatial information, amino acid conservation, physicochemical variation, residue mobility, and thermodynamic stability) performed at Invitae indicates that this missense variant is expected to disrupt RDH12 protein function with a positive predictive value of 80%. Experimental studies have shown that this missense change affects RDH12 function (PMID: 16269441). This variant disrupts the p.Ala206 amino acid residue in RDH12. Other variant(s) that disrupt this residue have been determined to be pathogenic (PMID: 30902645). This suggests that this residue is clinically significant, and that variants that disrupt this residue are likely to be disease-causing. In summary, the currently available evidence indicates that the variant is pathogenic, but additional data are needed to prove that conclusively. Therefore, this variant has been classified as Likely Pathogenic.

Baylor Genetics
Classification: Likely pathogenic for Leber congenital amaurosis 13. Last evaluated: 2021-11-08. Review status: criteria provided, single submitter. Criteria: ACMG Guidelines, 2015. Collection method: clinical testing. Allele origin: unknown.

Literature cited by the submitters: PubMed 16269441 (cited by Women's Health and Genetics/Laboratory Corporation of America, LabCorp and Labcorp Genetics (formerly Invitae), Labcorp); PubMed 17197551 (cited by Women's Health and Genetics/Laboratory Corporation of America, LabCorp); PubMed 30902645 (cited by Labcorp Genetics (formerly Invitae), Labcorp).